The following is an entry in ClinVar:

NM_000179.3(MSH6):c.3274_3277dup (p.Gly1093fs)

Gene: MSH6 (mutS homolog 6; plus strand). Cytogenetic location: 2p16.3.
Variant type: Duplication.
Coding change: c.3274_3277dup on transcript NM_000179.3 (MANE Select); coding-DNA positions 3274 to 3277, 4 bases duplicated (AAAG; older notation c.3274_3277dupAAAG).
Protein change: p.Gly1093fs; shifts the reading frame from glycine 1093.
Molecular consequence: frameshift variant.
Genome position (GRCh38, 1-based): chr2:47,803,521-47,803,524, AAAG duplicated. VCF-style (leftmost placement, unchanged base first): chr2-47803520-T-TAAAG. GRCh37 (hg19) VCF-style: chr2-48030659-T-TAAAG.
Other names: c.2977_2980dup, p.Gly994Glufs (NM_001406819.1, NM_001406820.1, NM_001406821.1 and 10 more transcripts); c.2368_2371dup, p.Gly791Glufs (NM_001406823.1, NM_001406829.1, NM_001406811.1 and 4 more transcripts); c.3106_3109dup, p.Gly1037Glufs (NM_001406826.1); c.55_58dup, p.Gly20Glufs (NM_001406831.1); c.121_124dup, p.Gly42Glufs (NM_001406832.1); c.1219_1222dup, p.Gly408Glufs (NM_001407362.1); c.2884_2887dup, p.Gly963fs (NM_001281492.2); c.2368_2371dup, p.Gly791fs (NM_001281493.2, NM_001281494.2); and 8 more; short protein forms G791fs, G1093fs, G963fs.
Identifiers: ClinVar variation 1729648 (VCV001729648.2), dbSNP rs2530764969, ClinGen allele CA2580067030.

ClinVar aggregate classification (germline): Pathogenic (1 of 4 stars; one submission).

Conditions:
Hereditary cancer-predisposing syndrome. Also called: Neoplastic Syndromes, Hereditary; Tumor predisposition; Hereditary Cancer Syndrome; Hereditary neoplastic syndrome. Identifiers: Orphanet 140162, MedGen C0027672, MeSH D009386, MONDO:0015356.

Submission:

Ambry Genetics
Classification: Pathogenic for Hereditary cancer-predisposing syndrome. Last evaluated: 2020-04-06. Review status: criteria provided, single submitter. Criteria: Ambry Variant Classification Scheme 2023. Collection method: clinical testing. Allele origin: germline.
Comment: The c.3274_3277dupAAAG variant, located in coding exon 5 of the MSH6 gene, results from a duplication of AAAG at nucleotide position 3274, causing a translational frameshift with a predicted alternate stop codon (p.G1093Efs*16). This alteration is expected to result in loss of function by premature protein truncation or nonsense-mediated mRNA decay. As such, this alteration is interpreted as a disease-causing mutation.